The following is an entry in ClinVar:

ClinVar aggregate classification (germline): Pathogenic. Review status: criteria provided, multiple submitters, no conflicts (2 of 4 stars). 2 submissions from 2 submitters: Pathogenic (2). Last evaluated 2023-04-20.

Conditions:
Retinoblastoma (RB1). Also called: RETINOBLASTOMA, SOMATIC. Identifiers: Orphanet 790, MedGen C0035335, MeSH D012175, MONDO:0008380, OMIM 180200, HP:0009919. Disease mechanism: loss of function. Inheritance: Both sporadic and heritable forms are tested..

Submissions (2):

St. Jude Molecular Pathology, St. Jude Children's Research Hospital
Classification: Pathogenic for Retinoblastoma. Last evaluated: 2023-04-20. Review status: criteria provided, single submitter. Criteria: St. Jude Assertion Criteria 2020. Collection method: clinical testing. Allele origin: germline. Affected: yes.
Comment: The RB1 c.2525_2526del (p.Ser842Ter) change deletes two nucleotides in exon 25 of the RB1 gene resulting in an immediate stop codon. This change is predicted to cause protein truncation or absence of the protein due to nonsense-mediated decay. It is absent in gnomAD v2.1.1. In summary, this variant meets criteria to be classified as pathogenic.

ARUP Laboratories, Molecular Genetics and Genomics, ARUP Laboratories
Classification: Pathogenic. Last evaluated: 2017-11-08. Review status: criteria provided, single submitter. Criteria: ARUP Molecular Germline Variant Investigation Process. Collection method: clinical testing. Allele origin: germline.
Comment: The RB1 c.2525_2526delCT; p.Ser842Ter variant is not published in the medical literature, in gene-specific databases or in the ClinVar database. However, other truncating variants in this region have been described in individuals with retinoblastoma (Barbosa 2013, Nichols 2005, Richter 2003). The variant is not described in the dbSNP variant database or in the general population-based databases. This variant deletes two nucleotides, leading to an immediate stop codon, and is predicted to result in a truncated protein or mRNA subject to nonsense-mediated decay. Considering available information, this variant is classified as pathogenic. References: Barbosa RH et al. Screening of RB1 alterations in Brazilian patients with retinoblastoma and relatives with retinoma: phenotypic and genotypic associations. Invest Ophthalmol Vis Sci. 2013 May 7;54(5):3184-94. Nichols KE et al. Sensitive multistep clinical molecular screening of 180 unrelated individuals with retinoblastoma detects 36 novel mutations in the RB1 gene. Hum Mutat. 2005 Jun;25(6):566-74. Richter S et al. Sensitive and efficient detection of RB1 gene mutations enhances care for families with retinoblastoma. Am J Hum Genet. 2003 Feb;72(2):253-69.

NM_000321.3(RB1):c.2525_2526del (p.Thr841_Ser842insTer)

Gene: RB1 (RB transcriptional corepressor 1; plus strand). Cytogenetic location: 13q14.2.
Variant type: Deletion.
Coding change: c.2525_2526del on transcript NM_000321.3 (MANE Select); coding-DNA positions 2525 to 2526, 2 bases deleted (CT; older notation c.2525_2526delCT).
Protein change: p.Thr841_Ser842insTer.
Molecular consequence: nonsense.
Genome position (GRCh38, 1-based): chr13:48,476,705-48,476,706, CT deleted; deleting any 2 consecutive bases within chr13:48,476,704-48,476,706 gives the same sequence; the c. name uses the placement nearest the transcript's 3' end. VCF-style (leftmost placement, unchanged base first): chr13-48476703-TTC-T. GRCh37 (hg19) VCF-style: chr13-49050839-TTC-T.
Other names: c.2525_2526delCT (NM_000321.2); c.2525_2526del (NM_000321.2).
Identifiers: ClinVar variation 618345 (VCV000618345.9), dbSNP rs1566240909, ClinGen allele CA913190376.